The following is an entry in ClinVar:

ClinVar aggregate classification (germline): Uncertain significance. Review status: criteria provided, multiple submitters, no conflicts (2 of 4 stars). 2 submissions from 2 submitters: Uncertain significance (2). Last evaluated 2025-05-09.

Submissions (2):

Athena Diagnostics
Classification: Uncertain significance. Last evaluated: 2025-05-09. Review status: criteria provided, single submitter. Criteria: Athena Diagnostics Criteria. Collection method: clinical testing. Allele origin: unknown.
Comment: Available data are insufficient to determine the clinical significance of the variant at this time. This variant has not been reported in large, multi-ethnic general populations. Polyphen and MutationTaster predict this amino acid change may be benign.

Labcorp Genetics (formerly Invitae), Labcorp
Classification: Uncertain significance. Last evaluated: 2025-03-22. Review status: criteria provided, single submitter. Criteria: Invitae Variant Classification Sherloc (09022015). Collection method: clinical testing. Allele origin: germline.
Comment: This sequence change replaces phenylalanine, which is neutral and non-polar, with serine, which is neutral and polar, at codon 5137 of the ADGRV1 protein (p.Phe5137Ser). This variant is not present in population databases (gnomAD no frequency). This variant has not been reported in the literature in individuals affected with ADGRV1-related conditions. An algorithm developed to predict the effect of missense changes on protein structure and function outputs the following: PolyPhen-2: "Benign". The serine amino acid residue is found in multiple mammalian species, which suggests that this missense change does not adversely affect protein function. In summary, the available evidence is currently insufficient to determine the role of this variant in disease. Therefore, it has been classified as a Variant of Uncertain Significance.

NM_032119.4(ADGRV1):c.15410T>C (p.Phe5137Ser)

Gene: ADGRV1 (adhesion G protein-coupled receptor V1; plus strand). Cytogenetic location: 5q14.3.
Variant type: single nucleotide variant.
Coding change: c.15410T>C on transcript NM_032119.4 (MANE Select); coding-DNA position 15410, T replaced by C.
Protein change: p.Phe5137Ser; replaces phenylalanine 5137 with serine.
Molecular consequence: missense variant. On other transcripts: non-coding transcript variant (1).
Genome position (GRCh38, 1-based): chr5:90,810,670, T>C. VCF-style: chr5-90810670-T-C. GRCh37 (hg19) VCF-style: chr5-90106487-T-C.
Other names: short protein forms F5137S.
Identifiers: ClinVar variation 4682339 (VCV004682339.2).